The following is an entry in ClinVar:

NM_001015877.2(PHF6):c.-47+5G>A

Gene: PHF6 (PHD finger protein 6; plus strand). Cytogenetic location: Xq26.2.
Variant type: single nucleotide variant.
Coding change: c.-47+5G>A on transcript NM_001015877.2 (MANE Select); 5 bases into the intron after 47 bases upstream of the start codon, G replaced by A.
Molecular consequence: intron variant.
Genome position (GRCh38, 1-based): chrX:134,373,472, G>A. VCF-style: chrX-134373472-G-A. GRCh37 (hg19) VCF-style: chrX-133507502-G-A.
Other names: c.-47+5G>A (NM_032458.3, NM_032335.3).
Identifiers: ClinVar variation 1683726 (VCV001683726.2), dbSNP rs2077265772, ClinGen allele CA2459704177.
Genomic context (GRCh38, chrX:134,373,472, plus strand): 5'-TTTCTCTTTACCCTCATTGGCGCTTCTCTCCTGCAGTCCGCCTCTGGGCCCTGCCGGTGA[G>A]TCCCCACGGAACCCTGGGGCCCCCCATTCTCTCCCCGGCGGGAGAAGACAAGGAGGATGG-3'

ClinVar aggregate classification (germline): Uncertain significance (1 of 4 stars; one submission).

Conditions:
Borjeson-Forssman-Lehmann syndrome (BFLS). Also called: MENTAL RETARDATION, X-LINKED, SYNDROMIC, BORJESON-FORSSMAN-LEHMANN TYPE; MENTAL RETARDATION, EPILEPSY, AND ENDOCRINE DISORDERS; BORJESON SYNDROME. Identifiers: Orphanet 127, MedGen C0265339, MONDO:0010537, OMIM 301900.

Submission:

Laboratorio de Genetica e Diagnostico Molecular, Hospital Israelita Albert Einstein
Classification: Uncertain significance for Borjeson-Forssman-Lehmann syndrome. Last evaluated: 2021-06-23. Review status: criteria provided, single submitter. Criteria: ACMG Guidelines, 2015. Collection method: clinical testing. Allele origin: germline. Affected: yes.
Comment: ACMG classification criteria: PM2 moderate, PM2, PP3 supporting, PP3